The following is an entry in ClinVar:

ClinVar aggregate classification (germline): Uncertain significance (1 of 4 stars; one submission).

gnomAD v4.1: 14 of 1,613,820 alleles (0.00087%); highest among the groups gnomAD compares: Admixed American, 0.023%; no homozygotes.

Submission:

Labcorp Genetics (formerly Invitae), Labcorp
Classification: Uncertain significance. Last evaluated: 2022-08-05. Review status: criteria provided, single submitter. Criteria: Invitae Variant Classification Sherloc (09022015). Collection method: clinical testing. Allele origin: germline.
Comment: This sequence change replaces lysine, which is basic and polar, with asparagine, which is neutral and polar, at codon 242 of the UBA5 protein (p.Lys242Asn). In summary, the available evidence is currently insufficient to determine the role of this variant in disease. Therefore, it has been classified as a Variant of Uncertain Significance. Algorithms developed to predict the effect of missense changes on protein structure and function are either unavailable or do not agree on the potential impact of this missense change (SIFT: "Not Available"; PolyPhen-2: "Benign"; Align-GVGD: "Not Available"). This variant has not been reported in the literature in individuals affected with UBA5-related conditions. This variant is present in population databases (no rsID available, gnomAD 0.006%).

NM_024818.6(UBA5):c.726G>T (p.Lys242Asn)

Genes: UBA5 (ubiquitin like modifier activating enzyme 5; plus strand), NPHP3-ACAD11 (NPHP3-ACAD11 readthrough (NMD candidate); minus strand). Cytogenetic location: 3q22.1.
Variant type: single nucleotide variant.
Coding change: c.726G>T on transcript NM_024818.6 (MANE Select); coding-DNA position 726, G replaced by T.
Protein change: p.Lys242Asn; replaces lysine 242 with asparagine.
Molecular consequence: missense variant.
Genome position (GRCh38, 1-based): chr3:132,672,091, G>T. VCF-style: chr3-132672091-G-T. GRCh37 (hg19) VCF-style: chr3-132390935-G-T.
Other names: c.558G>T, p.Lys186Asn (NM_001320210.2, NM_198329.4); c.456G>T, p.Lys152Asn (NM_001321238.2); c.390G>T, p.Lys130Asn (NM_001321239.1); short protein forms K130N, K186N, K242N, K152N.
Identifiers: ClinVar variation 1999434 (VCV001999434.4), dbSNP rs772532453, ClinGen allele CA354574603.